The following is an entry in ClinVar:

NM_024422.6(DSC2):c.1901G>A (p.Arg634His)

Gene: DSC2 (desmocollin 2; minus strand). Cytogenetic location: 18q12.1.
Variant type: single nucleotide variant.
Coding change: c.1901G>A on transcript NM_024422.6 (MANE Select); coding-DNA position 1901, G replaced by A.
Protein change: p.Arg634His; replaces arginine 634 with histidine.
Molecular consequence: missense variant.
Genome position (GRCh38, 1-based): chr18:31,071,829, C>T on the plus strand (G>A on the coding strand, the complement: DSC2 is on the minus strand). VCF-style: chr18-31071829-C-T. GRCh37 (hg19) VCF-style: chr18-28651795-C-T.
Other names: p.R634H:CGT>CAT; c.1901G>A, p.Arg634His (NM_004949.5); short protein forms R634H.
Identifiers: ClinVar variation 46172 (VCV000046172.22), dbSNP rs200475862, ClinGen allele CA022583.

ClinVar aggregate classification (germline): Conflicting classifications of pathogenicity. Review status: criteria provided, conflicting classifications (1 of 4 stars). 9 submissions from 9 submitters: Uncertain significance (1); Benign (3); Likely benign (4). 1 of the submissions does not count toward it. Last evaluated 2026-01-12.

Conditions:
Cardiovascular phenotype. Identifiers: MedGen CN230736.
Cardiomyopathy (CMYO). Also called: Cardiomyopathies. Identifiers: Orphanet 167848, MedGen C0878544, MONDO:0004994, HP:0001638. Inheritance: Various modes of inheritance.
Arrhythmogenic right ventricular dysplasia 11. Also called: Arrhythmogenic Right Ventricular Dysplasia/Cardiomyopathy11; ARRHYTHMOGENIC RIGHT VENTRICULAR DYSPLASIA, FAMILIAL, 11; Arrhythmogenic right ventricular dysplasia 11 with mild palmoplantar keratoderma and woolly hair. Identifiers: MedGen C1864850, MONDO:0012506, OMIM 610476.

Allele frequency attached by ClinVar (database versions not stated): TOPMed 0.00002; ESP Exome Variant Server 0.00023; gnomAD exomes 0.00030 and 0.00057; 1000 Genomes Project 30x 0.00031; 1000 Genomes Project 0.00040; ExAC 0.00044; gnomAD 0.00047 and 0.00052.
gnomAD v4.1: 515 of 1,612,906 alleles (0.032%); highest among the groups gnomAD compares: Non-Finnish European, 0.0052%; no homozygotes.

Submissions (9):

Labcorp Genetics (formerly Invitae), Labcorp
Classification: Benign for Arrhythmogenic right ventricular dysplasia 11. Last evaluated: 2026-01-12. Review status: criteria provided, single submitter. Criteria: Invitae Variant Classification Sherloc (09022015). Collection method: clinical testing. Allele origin: germline.

Ambry Genetics
Classification: Benign for Cardiovascular phenotype. Last evaluated: 2024-12-20. Review status: criteria provided, single submitter. Criteria: Ambry Variant Classification Scheme 2023. Collection method: clinical testing. Allele origin: germline.

Blueprint Genetics
Classification: Likely benign. Last evaluated: 2024-10-31. Review status: criteria provided, single submitter. Criteria: ACMG Guidelines, 2015. Collection method: clinical testing. Allele origin: germline.

Women's Health and Genetics/Laboratory Corporation of America, LabCorp
Classification: Likely benign. Last evaluated: 2023-10-31. Review status: criteria provided, single submitter. Criteria: LabCorp Variant Classification Summary - May 2015. Collection method: clinical testing. Allele origin: germline.
Comment: Variant summary: DSC2 c.1901G>A (p.Arg634His) results in a non-conservative amino acid change in the encoded protein sequence. Four of five in-silico tools predict a benign effect of the variant on protein function. The variant allele was found at a frequency of 0.00062 in 281656 control chromosomes, predominantly at a frequency of 0.0059 within the Non-Finnish European subpopulation in the gnomAD database. The observed variant frequency within Non-Finnish European control individuals in the gnomAD database is approximately 36 fold of the estimated maximal expected allele frequency for a pathogenic variant in DSC2 causing Arrhythmogenic Right Ventricular Dysplasia/Cardiomyopathy phenotype (0.00016), strongly suggesting that the variant is a benign polymorphism found primarily in populations of Non-Finnish European origin. c.1901G>A has been reported in the literature in individuals affected with long QT syndrome type 2 (LQT2) and ARVD, suspected DCM or coronary artery disease related sudden cardiac death (Tisma-Dupanovic_2013, Qadri_2017, Vhtalo_2022). These reports do not provide unequivocal conclusions about association of the variant with Arrhythmogenic Right Ventricular Dysplasia/Cardiomyopathy. To our knowledge, no experimental evidence demonstrating an impact on protein function has been reported. The following publications have been ascertained in the context of this evaluation (PMID: 28818065, 23347029, 35087879). Five submitters have cited clinical-significance assessments for this variant to ClinVar after 2014. All submitters classified the variant as benign/likely benign. Based on the evidence outlined above, the variant was classified as likely benign.

GeneDx
Classification: Likely benign. Last evaluated: 2020-10-05. Review status: criteria provided, single submitter. Criteria: GeneDx Variant Classification Process June 2021. Collection method: clinical testing. Allele origin: germline. Affected: yes.

Color Diagnostics, LLC DBA Color Health
Classification: Benign for Cardiomyopathy. Last evaluated: 2019-01-10. Review status: criteria provided, single submitter. Criteria: ACMG Guidelines, 2015. Collection method: clinical testing. Allele origin: germline.

Clinical Genetics DNA and cytogenetics Diagnostics Lab, Erasmus MC, Erasmus Medical Center
Classification: Likely benign for Arrhythmogenic right ventricular dysplasia 11. Last evaluated: 2017-09-28. Review status: criteria provided, single submitter. Criteria: ACGS Guidelines, 2013. Collection method: clinical testing. Allele origin: germline. Affected: yes. Study: VKGL Data-share Consensus.

Laboratory for Molecular Medicine, Mass General Brigham Personalized Medicine
Classification: Uncertain significance. Last evaluated: 2012-02-07. Review status: criteria provided, single submitter. Criteria: LMM Criteria. Collection method: clinical testing. Allele origin: germline. Observed: 2 variant alleles.
Comment: Variant classified as Uncertain Significance - Favor Benign. This variant ha s also been identified in 3/7020 European American chromosomes by the NHLBI Exom e Sequencing Project in a broad population. C omputational analyses (biochemical amino acid properties, conservation, AlignGVG D, PolyPhen2, and SIFT) suggest that the Arg634His variant may not impact the pr otein and opossum carries a Histadine (His, this variant) at this position, thou gh this information is not predictive enough to rule out pathogenicity. Collecti vely this data suggests that this variant may be benign, but additional informat ion is needed to fully assess its clinical significance.

Clinical Genetics, Academic Medical Center
Classification: Benign. Review status: no assertion criteria provided. Collection method: clinical testing. Allele origin: germline. Affected: yes. Study: VKGL Data-share Consensus. Not counted in ClinVar's aggregate classification.

Literature cited by the submitters: PubMed 35087879 (cited by Ambry Genetics and Women's Health and Genetics/Laboratory Corporation of America, LabCorp); PubMed 28818065 (cited by Women's Health and Genetics/Laboratory Corporation of America, LabCorp); PubMed 23347029 (cited by Women's Health and Genetics/Laboratory Corporation of America, LabCorp).